The following is an entry in ClinVar:

NM_001165963.4(SCN1A):c.5492T>A (p.Phe1831Tyr)

Genes: SCN1A (sodium voltage-gated channel alpha subunit 1; minus strand), LOC102724058 (uncharacterized LOC102724058; plus strand). Cytogenetic location: 2q24.3.
Variant type: single nucleotide variant.
Coding change: c.5492T>A on transcript NM_001165963.4 (MANE Select); coding-DNA position 5492, T replaced by A.
Protein change: p.Phe1831Tyr; replaces phenylalanine 1831 with tyrosine.
Molecular consequence: missense variant. On other transcripts: non-coding transcript variant (1).
Genome position (GRCh38, 1-based): chr2:165,991,783, A>T on the plus strand (T>A on the coding strand, the complement: SCN1A is on the minus strand). VCF-style: chr2-165991783-A-T. GRCh37 (hg19) VCF-style: chr2-166848293-A-T.
Other names: c.5408T>A, p.Phe1803Tyr (NM_001165964.3, NM_001353957.2, NM_001353958.2); c.5492T>A, p.Phe1831Tyr (NM_001202435.3, NM_001353948.2); c.5459T>A, p.Phe1820Tyr (NM_001353949.2, NM_001353950.2, NM_001353951.2 and 2 more transcripts); c.5456T>A, p.Phe1819Tyr (NM_001353954.2, NM_001353955.2); c.5405T>A, p.Phe1802Tyr (NM_001353960.2); c.3050T>A, p.Phe1017Tyr (NM_001353961.2); short protein forms F1017Y, F1802Y, F1803Y, F1820Y, F1819Y, F1831Y.
Identifiers: ClinVar variation 1475924 (VCV001475924.8), dbSNP rs121918748, ClinGen allele CA349065782.
Genomic context (GRCh38, chr2:165,991,783, plus strand): 5'-GCAATGAGCTGGAGTTTGTTTGGTTGTGGCAGATTGAGAGGCGGTTCAAGCGCAGCTGCA[A>T]ACTGAGATAATTTTTCAAATTCCATGAACTGAGTTGCATCGGGATCAAACTTCTCCCAAA-3'
Protein context (NP_001159435.1, residues 1821-1841): QFMEFEKLSQ[Phe1831Tyr]AAALEPPLNL

ClinVar aggregate classification (germline): Conflicting classifications of pathogenicity. Review status: criteria provided, conflicting classifications (1 of 4 stars). 2 submissions from 2 submitters: Pathogenic (1); Uncertain significance (1). Last evaluated 2022-05-04.

Conditions:
Early-infantile DEE. Also called: Early infantile epileptic encephalopathy; Early infantile epileptic encephalopathy with suppression bursts; Ohtahara syndrome. Identifiers: Orphanet 1934, MedGen C0393706, MONDO:0800491.
Generalized epilepsy with febrile seizures plus, type 2 (GEFSP2). Also called: GEFS+, TYPE 2. Identifiers: Orphanet 36387, MedGen C1858673, MONDO:0011461, OMIM 604403.

Submissions (2):

Mendelics
Classification: Pathogenic for Generalized epilepsy with febrile seizures plus, type 2. Last evaluated: 2022-05-04. Review status: criteria provided, single submitter. Criteria: Mendelics Assertion Criteria 2019. Collection method: clinical testing. Allele origin: germline.

Labcorp Genetics (formerly Invitae), Labcorp
Classification: Uncertain significance for Early-infantile DEE. Last evaluated: 2021-09-18. Review status: criteria provided, single submitter. Criteria: Invitae Variant Classification Sherloc (09022015). Collection method: clinical testing. Allele origin: germline.
Comment: This sequence change replaces phenylalanine with tyrosine at codon 1831 of the SCN1A protein (p.Phe1831Tyr). The phenylalanine residue is highly conserved and there is a small physicochemical difference between phenylalanine and tyrosine. This variant is not present in population databases (ExAC no frequency). This variant has not been reported in the literature in individuals affected with SCN1A-related conditions. Advanced modeling of protein sequence and biophysical properties (such as structural, functional, and spatial information, amino acid conservation, physicochemical variation, residue mobility, and thermodynamic stability) performed at Invitae indicates that this missense variant is expected to disrupt SCN1A protein function. In summary, the available evidence is currently insufficient to determine the role of this variant in disease. Therefore, it has been classified as a Variant of Uncertain Significance.